The following is an entry in ClinVar:

ClinVar aggregate classification (germline): Uncertain significance (1 of 4 stars; one submission).

Conditions:
Polycystic kidney disease, adult type (PKD1). Also called: Polycystic Kidney Disease 1, Autosomal Dominant; Polycystic kidney disease 1; Polycystic kidney disease 1, severe; Polycystic Kidney, Autosomal Dominant; POLYCYSTIC KIDNEY DISEASE 1 WITH OR WITHOUT POLYCYSTIC LIVER DISEASE; POLYCYSTIC KIDNEY DISEASE, ADULT, TYPE I. Identifiers: MedGen C3149841, MONDO:0008263, OMIM 173900.

Submission:

Neuberg Centre For Genomic Medicine, NCGM
Classification: Uncertain significance for Polycystic kidney disease, adult type. Review status: criteria provided, single submitter. Criteria: ACMG Guidelines, 2015. Collection method: clinical testing. Allele origin: germline. Inheritance: Autosomal recessive inheritance. Affected: yes.
Comment: The missense c.1771A>C p.Thr591Pro variant in PKD1 gene has not been reported previously as a pathogenic variant nor as a benign variant, to our knowledge. The p.Thr591Pro variant is novel not in any individuals in gnomAD Exomes and 1000 Genomes. This variant has not been reported to the ClinVar database. The amino acid Thr at position 591 is changed to a Pro changing protein sequence and it might alter its composition and physico-chemical properties. For these reasons, this variant has been classified as Variant of Uncertain Significance VUS.

NM_001009944.3(PKD1):c.1771A>C (p.Thr591Pro)

Gene: PKD1 (polycystin 1, transient receptor potential channel interacting; minus strand). Cytogenetic location: 16p13.3.
Variant type: single nucleotide variant.
Coding change: c.1771A>C on transcript NM_001009944.3 (MANE Select); coding-DNA position 1771, A replaced by C.
Protein change: p.Thr591Pro; replaces threonine 591 with proline.
Molecular consequence: missense variant.
Genome position (GRCh38, 1-based): chr16:2,116,070, T>G on the plus strand (A>C on the coding strand, the complement: PKD1 is on the minus strand). VCF-style: chr16-2116070-T-G. GRCh37 (hg19) VCF-style: chr16-2166071-T-G.
Other names: c.1771A>C, p.Thr591Pro (NM_000296.4); short protein forms T591P.
Identifiers: ClinVar variation 3236403 (VCV003236403.2), dbSNP rs2092629735, ClinGen allele CA394391206.